The following is an entry in ClinVar:

NM_001009566.3(CLSTN1):c.1304C>T (p.Pro435Leu)

Gene: CLSTN1 (calsyntenin 1; minus strand). Cytogenetic location: 1p36.22.
Variant type: single nucleotide variant.
Coding change: c.1304C>T on transcript NM_001009566.3 (MANE Select); coding-DNA position 1304, C replaced by T.
Protein change: p.Pro435Leu; replaces proline 435 with leucine.
Molecular consequence: missense variant.
Genome position (GRCh38, 1-based): chr1:9,743,936, G>A on the plus strand (C>T on the coding strand, the complement: CLSTN1 is on the minus strand). VCF-style: chr1-9743936-G-A. GRCh37 (hg19) VCF-style: chr1-9803994-G-A.
Other names: c.1304C>T, p.Pro435Leu (NM_001302883.1); c.1274C>T, p.Pro425Leu (NM_014944.4); short protein forms P425L, P435L.
Identifiers: ClinVar variation 3146031 (VCV003146031.2), dbSNP rs141634052, ClinGen allele CA578412.

ClinVar aggregate classification (germline): Uncertain significance (1 of 4 stars; one submission).

Allele frequency attached by ClinVar (database versions not stated): ExAC 0.00004; gnomAD 0.00006; gnomAD exomes 0.00012; ESP Exome Variant Server 0.00015; TOPMed 0.00006.
gnomAD v4.1: 180 of 1,614,040 alleles (0.011%); highest among the groups gnomAD compares: Non-Finnish European, 0.015%; no homozygotes.

Submission:

Ambry Genetics
Classification: Uncertain significance. Last evaluated: 2026-05-14. Review status: criteria provided, single submitter. Criteria: Ambry Variant Classification Scheme 2023. Collection method: clinical testing. Allele origin: germline.
Comment: The c.1304C>T (p.P435L) alteration is located in exon 9 (coding exon 9) of the CLSTN1 gene. This alteration results from a C to T substitution at nucleotide position 1304, causing the proline (P) at amino acid position 435 to be replaced by a leucine (L). Based on data from gnomAD, the T allele has an overall frequency of 0.006% (17/282850) total alleles studied. The highest observed frequency was 0.014% (1/7224) of Other alleles. Based on insufficient or conflicting evidence, the clinical significance of this alteration remains unclear.